The following is an entry in ClinVar:

NM_004863.4(SPTLC2):c.517A>G (p.Met173Val)

Gene: SPTLC2 (serine palmitoyltransferase long chain base subunit 2; minus strand). Cytogenetic location: 14q24.3.
Variant type: single nucleotide variant.
Coding change: c.517A>G on transcript NM_004863.4 (MANE Select); coding-DNA position 517, A replaced by G.
Protein change: p.Met173Val; replaces methionine 173 with valine.
Molecular consequence: missense variant.
Genome position (GRCh38, 1-based): chr14:77,576,881, T>C on the plus strand (A>G on the coding strand, the complement: SPTLC2 is on the minus strand). VCF-style: chr14-77576881-T-C. GRCh37 (hg19) VCF-style: chr14-78043224-T-C.
Other names: short protein forms M173V.
Identifiers: ClinVar variation 1745835 (VCV001745835.2), dbSNP rs1402968002, ClinGen allele CA390699442.

ClinVar aggregate classification (germline): Uncertain significance (1 of 4 stars; one submission).

Conditions:
Inborn genetic diseases. Identifiers: MedGen C0950123, MeSH D030342.

Submission:

Ambry Genetics
Classification: Uncertain significance for Inborn genetic diseases. Last evaluated: 2021-07-15. Review status: criteria provided, single submitter. Criteria: Ambry Variant Classification Scheme 2023. Collection method: clinical testing. Allele origin: germline.
Comment: The p.M173V variant (also known as c.517A>G), located in coding exon 4 of the SPTLC2 gene, results from an A to G substitution at nucleotide position 517. The methionine at codon 173 is replaced by valine, an amino acid with highly similar properties. This amino acid position is highly conserved in available vertebrate species. In addition, this alteration is predicted to be deleterious by in silico analysis. Since supporting evidence is limited at this time, the clinical significance of this alteration remains unclear.